The following is an entry in ClinVar:

NM_001190274.2(FBXO11):c.185C>T (p.Pro62Leu)

Gene: FBXO11 (F-box protein 11; minus strand). Cytogenetic location: 2p16.3.
Variant type: single nucleotide variant.
Coding change: c.185C>T on transcript NM_001190274.2 (MANE Select); coding-DNA position 185, C replaced by T.
Protein change: p.Pro62Leu; replaces proline 62 with leucine.
Molecular consequence: missense variant.
Genome position (GRCh38, 1-based): chr2:47,905,536, G>A on the plus strand (C>T on the coding strand, the complement: FBXO11 is on the minus strand). VCF-style: chr2-47905536-G-A. GRCh37 (hg19) VCF-style: chr2-48132675-G-A.
Other names: short protein forms P62L.
Identifiers: ClinVar variation 1446753 (VCV001446753.6), dbSNP rs1431845313, ClinGen allele CA346812558.

ClinVar aggregate classification (germline): Uncertain significance (1 of 4 stars; one submission).

Allele frequency attached by ClinVar (database versions not stated): gnomAD 0.00001.

Submission:

Labcorp Genetics (formerly Invitae), Labcorp
Classification: Uncertain significance. Last evaluated: 2022-07-18. Review status: criteria provided, single submitter. Criteria: Invitae Variant Classification Sherloc (09022015). Collection method: clinical testing. Allele origin: germline.
Comment: In summary, the available evidence is currently insufficient to determine the role of this variant in disease. Therefore, it has been classified as a Variant of Uncertain Significance. Algorithms developed to predict the effect of missense changes on protein structure and function are either unavailable or do not agree on the potential impact of this missense change (SIFT: "Tolerated"; PolyPhen-2: "Not Available"; Align-GVGD: "Class C0"). ClinVar contains an entry for this variant (Variation ID: 1446753). This variant has not been reported in the literature in individuals affected with FBXO11-related conditions. This variant is not present in population databases (gnomAD no frequency). This sequence change replaces proline, which is neutral and non-polar, with leucine, which is neutral and non-polar, at codon 62 of the FBXO11 protein (p.Pro62Leu).